The following is an entry in ClinVar:

NM_020949.3(SLC7A14):c.380T>A (p.Val127Asp)

Genes: SLC7A14 (solute carrier family 7 member 14; minus strand), SLC7A14-AS1 (SLC7A14 antisense RNA 1; plus strand). Cytogenetic location: 3q26.2.
Variant type: single nucleotide variant.
Coding change: c.380T>A on transcript NM_020949.3 (MANE Select); coding-DNA position 380, T replaced by A.
Protein change: p.Val127Asp; replaces valine 127 with aspartic acid.
Molecular consequence: missense variant.
Genome position (GRCh38, 1-based): chr3:170,501,270, A>T on the plus strand (T>A on the coding strand, the complement: SLC7A14 is on the minus strand). VCF-style: chr3-170501270-A-T. GRCh37 (hg19) VCF-style: chr3-170219059-A-T.
Other names: c.380T>A (NM_020949.2); short protein forms V127D.
Identifiers: ClinVar variation 1003916 (VCV001003916.9), dbSNP rs1712601068, ClinGen allele CA355517358.
Genomic context (GRCh38, chr3:170,501,270, plus strand): 5'-GTGCCAATCAGGTACTCCAGGATCAGGTTCCAGCCAATGAAAAATGCCACAAATTCCCCA[A>T]CAGTGACATAGCTGTAGGTGTAGGCAGATCCTGTGGTCTTGGGGACTCGAACTCCAAACT-3'
Protein context (NP_066000.2, residues 117-137): GSAYTYSYVT[Val127Asp]GEFVAFFIGW

ClinVar aggregate classification (germline): Uncertain significance. Review status: criteria provided, multiple submitters, no conflicts (2 of 4 stars). 2 submissions from 2 submitters: Uncertain significance (2). Last evaluated 2022-02-24.

Allele frequency attached by ClinVar (database versions not stated): gnomAD exomes below 0.00001; TOPMed 0.00002.
gnomAD v4.1: 1 of 1,614,224 alleles (0.000062%); highest among the groups gnomAD compares: Admixed American, 0.0017%; no homozygotes.

Submissions (2):

Labcorp Genetics (formerly Invitae), Labcorp
Classification: Uncertain significance. Last evaluated: 2022-02-24. Review status: criteria provided, single submitter. Criteria: Invitae Variant Classification Sherloc (09022015). Collection method: clinical testing. Allele origin: germline.
Comment: In summary, the available evidence is currently insufficient to determine the role of this variant in disease. Therefore, it has been classified as a Variant of Uncertain Significance. Algorithms developed to predict the effect of missense changes on protein structure and function are either unavailable or do not agree on the potential impact of this missense change (SIFT: "Deleterious"; PolyPhen-2: "Probably Damaging"; Align-GVGD: "Class C15"). ClinVar contains an entry for this variant (Variation ID: 1003916). This variant has not been reported in the literature in individuals affected with SLC7A14-related conditions. This variant is not present in population databases (gnomAD no frequency). This sequence change replaces valine, which is neutral and non-polar, with aspartic acid, which is acidic and polar, at codon 127 of the SLC7A14 protein (p.Val127Asp).

Ambry Genetics
Classification: Uncertain significance. Last evaluated: 2021-08-17. Review status: criteria provided, single submitter. Criteria: Ambry Variant Classification Scheme 2023. Collection method: clinical testing. Allele origin: germline.